The following is an entry in ClinVar:

NM_006073.4(TRDN):c.1862A>G (p.Glu621Gly)

Gene: TRDN (triadin; minus strand). Cytogenetic location: 6q22.31.
Variant type: single nucleotide variant.
Coding change: c.1862A>G on transcript NM_006073.4 (MANE Select); coding-DNA position 1862, A replaced by G.
Protein change: p.Glu621Gly; replaces glutamic acid 621 with glycine.
Molecular consequence: missense variant.
Genome position (GRCh38, 1-based): chr6:123,259,632, T>C on the plus strand (A>G on the coding strand, the complement: TRDN is on the minus strand). VCF-style: chr6-123259632-T-C. GRCh37 (hg19) VCF-style: chr6-123580777-T-C.
Other names: c.1862A>G (NM_006073.2); short protein forms E621G.
Identifiers: ClinVar variation 1354000 (VCV001354000.7), dbSNP rs1211286909, ClinGen allele CA365563648.

ClinVar aggregate classification (germline): Uncertain significance. Review status: criteria provided, multiple submitters, no conflicts (2 of 4 stars). 2 submissions from 2 submitters: Uncertain significance (2). Last evaluated 2026-05-07.

Conditions:
Cardiovascular phenotype. Identifiers: MedGen CN230736.
Catecholaminergic polymorphic ventricular tachycardia 1. Also called: RYR2-Related Catecholaminergic Polymorphic Ventricular Tachycardia; VENTRICULAR TACHYCARDIA, CATECHOLAMINERGIC POLYMORPHIC, 1, WITH OR WITHOUT ATRIAL DYSFUNCTION AND/OR DILATED CARDIOMYOPATHY; VENTRICULAR TACHYCARDIA, STRESS-INDUCED POLYMORPHIC 1. Identifiers: Orphanet 3286, MedGen C1631597, MONDO:0011484, OMIM 604772.

Allele frequency attached by ClinVar (database versions not stated): gnomAD exomes 0.00001.
gnomAD v4.1: 8 of 1,477,924 alleles (0.00054%); highest among the groups gnomAD compares: South Asian, 0.0013%; no homozygotes.

Submissions (2):

Ambry Genetics
Classification: Uncertain significance for Cardiovascular phenotype. Last evaluated: 2026-05-07. Review status: criteria provided, single submitter. Criteria: Ambry Variant Classification Scheme 2023. Collection method: clinical testing. Allele origin: germline.
Comment: The p.E621G variant (also known as c.1862A>G), located in coding exon 35 of the TRDN gene, results from an A to G substitution at nucleotide position 1862. The glutamic acid at codon 621 is replaced by glycine, an amino acid with similar properties. This amino acid position is highly conserved in available vertebrate species. In addition, this alteration is predicted to be tolerated by in silico analysis. Based on the available evidence, the clinical significance of this variant remains unclear.

Labcorp Genetics (formerly Invitae), Labcorp
Classification: Uncertain significance for Catecholaminergic polymorphic ventricular tachycardia 1. Last evaluated: 2023-11-27. Review status: criteria provided, single submitter. Criteria: Invitae Variant Classification Sherloc (09022015). Collection method: clinical testing. Allele origin: germline.
Comment: This sequence change replaces glutamic acid, which is acidic and polar, with glycine, which is neutral and non-polar, at codon 621 of the TRDN protein (p.Glu621Gly). This variant is not present in population databases (gnomAD no frequency). This variant has not been reported in the literature in individuals affected with TRDN-related conditions. ClinVar contains an entry for this variant (Variation ID: 1354000). Advanced modeling of protein sequence and biophysical properties (such as structural, functional, and spatial information, amino acid conservation, physicochemical variation, residue mobility, and thermodynamic stability) performed at Invitae indicates that this missense variant is expected to disrupt TRDN protein function with a positive predictive value of 80%. In summary, the available evidence is currently insufficient to determine the role of this variant in disease. Therefore, it has been classified as a Variant of Uncertain Significance.